The following is an entry in ClinVar:

NM_000350.3(ABCA4):c.1843G>C (p.Val615Leu)

Gene: ABCA4 (ATP binding cassette subfamily A member 4; minus strand). Cytogenetic location: 1p22.1.
Variant type: single nucleotide variant.
Coding change: c.1843G>C on transcript NM_000350.3 (MANE Select); coding-DNA position 1843, G replaced by C.
Protein change: p.Val615Leu; replaces valine 615 with leucine.
Molecular consequence: missense variant.
Genome position (GRCh38, 1-based): chr1:94,062,671, C>G on the plus strand (G>C on the coding strand, the complement: ABCA4 is on the minus strand). VCF-style: chr1-94062671-C-G. GRCh37 (hg19) VCF-style: chr1-94528227-C-G.
Other names: c.1843G>C, p.Val615Leu (NM_001425324.1); short protein forms V615L.
Identifiers: ClinVar variation 1501186 (VCV001501186.3), dbSNP rs374931400, ClinGen allele CA26848136.

ClinVar aggregate classification (germline): Uncertain significance (1 of 4 stars; one submission).

Submission:

Labcorp Genetics (formerly Invitae), Labcorp
Classification: Uncertain significance. Last evaluated: 2022-07-12. Review status: criteria provided, single submitter. Criteria: Invitae Variant Classification Sherloc (09022015). Collection method: clinical testing. Allele origin: germline.
Comment: This sequence change replaces valine, which is neutral and non-polar, with leucine, which is neutral and non-polar, at codon 615 of the ABCA4 protein (p.Val615Leu). This variant is present in population databases (no rsID available, gnomAD 0.006%). This variant has not been reported in the literature in individuals affected with ABCA4-related conditions. ClinVar contains an entry for this variant (Variation ID: 1501186). Advanced modeling of protein sequence and biophysical properties (such as structural, functional, and spatial information, amino acid conservation, physicochemical variation, residue mobility, and thermodynamic stability) performed at Invitae indicates that this missense variant is not expected to disrupt ABCA4 protein function. This variant disrupts the p.Val615 amino acid residue in ABCA4. Other variant(s) that disrupt this residue have been determined to be pathogenic (PMID: 29847651; Invitae). This suggests that this residue is clinically significant, and that variants that disrupt this residue are likely to be disease-causing. In summary, the available evidence is currently insufficient to determine the role of this variant in disease. Therefore, it has been classified as a Variant of Uncertain Significance.

Literature cited by the submitters: PubMed 29847651.